The following is an entry in ClinVar:

ClinVar aggregate classification (germline): Uncertain significance (1 of 4 stars; one submission).

Conditions:
Hereditary cancer-predisposing syndrome. Also called: Neoplastic Syndromes, Hereditary; Tumor predisposition; Hereditary Cancer Syndrome; Hereditary neoplastic syndrome. Identifiers: Orphanet 140162, MedGen C0027672, MeSH D009386, MONDO:0015356.

Submission:

Ambry Genetics
Classification: Uncertain significance for Hereditary cancer-predisposing syndrome. Last evaluated: 2016-02-23. Review status: criteria provided, single submitter. Criteria: Ambry Variant Classification Scheme 2023. Collection method: clinical testing. Allele origin: germline.
Comment: The p.D802H variant (also known as c.2404G>C), located in coding exon 16 of the BRIP1 gene, results from a G to C substitution at nucleotide position 2404. The aspartic acid at codon 802 is replaced by histidine, an amino acid with similar properties. To date, this alteration has been detected with an allele frequency of approximately 0.001% (greater than 120000 alleles tested) in our clinical cohort. This variant was not reported in population based cohorts in the following databases: Database of Single Nucleotide Polymorphisms (dbSNP), NHLBI Exome Sequencing Project (ESP), and 1000 Genomes Project. In the ESP, this variant was not observed in 6503 samples (13006 alleles) with coverage at this position. This amino acid position is highly conserved in available vertebrate species. In addition, this alteration is predicted to be deleterious by in silico analysis. Since supporting evidence is limited at this time, the clinical significance of this alteration remains unclear.

NM_032043.3(BRIP1):c.2404G>C (p.Asp802His)

Gene: BRIP1 (BRCA1 interacting DNA helicase 1; minus strand). Cytogenetic location: 17q23.2.
Variant type: single nucleotide variant.
Coding change: c.2404G>C on transcript NM_032043.3 (MANE Select); coding-DNA position 2404, G replaced by C.
Protein change: p.Asp802His; replaces aspartic acid 802 with histidine.
Molecular consequence: missense variant.
Genome position (GRCh38, 1-based): chr17:61,716,039, C>G on the plus strand (G>C on the coding strand, the complement: BRIP1 is on the minus strand). VCF-style: chr17-61716039-C-G. GRCh37 (hg19) VCF-style: chr17-59793400-C-G.
Other names: short protein forms D802H.
Identifiers: ClinVar variation 481631 (VCV000481631.5), dbSNP rs1555580944, ClinGen allele CA400479764.
Genomic context (GRCh38, chr17:61,716,039, plus strand): 5'-ATGCTTGAATTTCATACCACTGACGGCCAGGTAGAAGACCTCTCAATTTTGAATGGTGGT[C>G]ATTGTATTGTCGTTTTAGTTCAACCTAATAATTTTAAAATATATTTAAAAAATTAGTAGA-3'
Protein context (NP_114432.2, residues 792-812): LQVELKRQYN[Asp802His]HHSKLRGLLP